The following is an entry in ClinVar:

NM_001267550.2(TTN):c.33247+5A>G

Gene: TTN (titin; minus strand). Cytogenetic location: 2q31.2.
Variant type: single nucleotide variant.
Coding change: c.33247+5A>G on transcript NM_001267550.2 (MANE Select); 5 bases into the intron after coding-DNA position 33247, A replaced by G.
Molecular consequence: intron variant.
Genome position (GRCh38, 1-based): chr2:178,681,371, T>C on the plus strand (A>G on the coding strand, the complement: TTN is on the minus strand). VCF-style: chr2-178681371-T-C. GRCh37 (hg19) VCF-style: chr2-179546098-T-C.
Other names: c.13283-39054A>G (NM_003319.4); c.13859-39054A>G (NM_133437.4); c.13658-39054A>G (NM_133432.3); c.29515+5A>G (NM_133378.4); c.32296+5A>G (NM_001256850.1).
Identifiers: ClinVar variation 2651668 (VCV002651668.24), dbSNP rs2069355477, ClinGen allele CA1039717499.

ClinVar aggregate classification (germline): Likely benign (1 of 4 stars; one submission).

Allele frequency attached by ClinVar (database versions not stated): gnomAD 0.00001.
gnomAD v4.1: 3 of 1,610,110 alleles (0.00019%); highest among the groups gnomAD compares: African/African-American, 0.0013%; no homozygotes.

Submission:

CeGaT Center for Human Genetics Tuebingen
Classification: Likely benign. Last evaluated: 2025-09-01. Review status: criteria provided, single submitter. Criteria: CeGaT Center For Human Genetics Tuebingen Variant Classification Criteria Version 2. Collection method: clinical testing. Allele origin: germline. Affected: yes. Observed: 3 variant alleles.
Comment: TTN: BP4